The following is an entry in ClinVar:

NM_015267.4(CUX2):c.607G>A (p.Ala203Thr)

Gene: CUX2 (cut like homeobox 2; plus strand). Cytogenetic location: 12q24.11.
Variant type: single nucleotide variant.
Coding change: c.607G>A on transcript NM_015267.4 (MANE Select); coding-DNA position 607, G replaced by A.
Protein change: p.Ala203Thr; replaces alanine 203 with threonine.
Molecular consequence: missense variant.
Genome position (GRCh38, 1-based): chr12:111,295,379, G>A. VCF-style: chr12-111295379-G-A. GRCh37 (hg19) VCF-style: chr12-111733183-G-A.
Other names: c.421G>A, p.Ala141Thr (NM_001370598.1); short protein forms A141T, A203T.
Identifiers: ClinVar variation 3572450 (VCV003572450.1).
Genomic context (GRCh38, chr12:111,295,379, plus strand): 5'-TCGTCTCTCCGCAGGGGCCTTCAAGAAGTACAGATCACTTTGGCGGCCAGACTGGGGGAG[G>A]CAGAGGAGAAAATCAAAGTCCTACATTCAGGTATGTGTCGGCACCATGTGGCCTAGAGGG-3'
Protein context (NP_056082.2, residues 193-213): QITLAARLGE[Ala203Thr]EEKIKVLHSA

ClinVar aggregate classification (germline): Uncertain significance (1 of 4 stars; one submission).

gnomAD v4.1: 1 of 1,612,648 alleles (0.000062%); highest among the groups gnomAD compares: Non-Finnish European, 0.000085%; no homozygotes.

Submission:

GeneDx
Classification: Uncertain significance. Last evaluated: 2024-07-12. Review status: criteria provided, single submitter. Criteria: GeneDx Variant Classification Process June 2021. Collection method: clinical testing. Allele origin: germline. Affected: yes.
Comment: Not observed at significant frequency in large population cohorts (gnomAD); In silico analysis supports that this missense variant has a deleterious effect on protein structure/function; Has not been previously published as pathogenic or benign to our knowledge